The following is an entry in ClinVar:

ClinVar aggregate classification (germline): Uncertain significance (1 of 4 stars; one submission).

Submission:

Labcorp Genetics (formerly Invitae), Labcorp
Classification: Uncertain significance. Last evaluated: 2022-04-12. Review status: criteria provided, single submitter. Criteria: Invitae Variant Classification Sherloc (09022015). Collection method: clinical testing. Allele origin: germline.
Comment: In summary, the available evidence is currently insufficient to determine the role of this variant in disease. Therefore, it has been classified as a Variant of Uncertain Significance. Algorithms developed to predict the effect of sequence changes on RNA splicing suggest that this variant may disrupt the consensus splice site. This variant has not been reported in the literature in individuals affected with OPA1-related conditions. This variant is not present in population databases (gnomAD no frequency). This sequence change replaces glutamic acid, which is acidic and polar, with lysine, which is basic and polar, at codon 243 of the OPA1 protein (p.Glu243Lys). The OPA1 gene has multiple clinically relevant transcripts. This variant occurs in alternate transcript NM_130837.2, and corresponds to NM_015560.2:c.625-5472G>A in the primary transcript.

NM_130837.3(OPA1):c.727G>A (p.Glu243Lys)

Genes: OPA1 (OPA1 mitochondrial dynamin like GTPase; plus strand), OPA1-AS1 (OPA1 antisense RNA 1; minus strand). Cytogenetic location: 3q29.
Variant type: single nucleotide variant.
Coding change: c.727G>A on transcript NM_130837.3 (MANE Select); coding-DNA position 727, G replaced by A.
Protein change: p.Glu243Lys; replaces glutamic acid 243 with lysine.
Molecular consequence: missense variant. On other transcripts: intron variant (5).
Genome position (GRCh38, 1-based): chr3:193,626,140, G>A. VCF-style: chr3-193626140-G-A. GRCh37 (hg19) VCF-style: chr3-193343929-G-A.
Other names: c.193G>A, p.Glu65Lys (NM_001354663.2); c.565G>A, p.Glu189Lys (NM_130833.3); c.619G>A, p.Glu207Lys (NM_130835.3); c.673G>A, p.Glu225Lys (NM_130836.3); c.253-5472G>A (NM_001354664.2); c.679-5472G>A (NM_130834.3); c.625-5472G>A (NM_015560.3); c.571-5472G>A (NM_130832.3); and 1 more; short protein forms E207K, E243K, E65K, E189K, E225K.
Identifiers: ClinVar variation 1958169 (VCV001958169.5), dbSNP rs1361427800, ClinGen allele CA355788631.